The following is an entry in ClinVar:

NM_001366385.1(CARD14):c.2357T>C (p.Leu786Ser)

Genes: SGSH (N-sulfoglucosamine sulfohydrolase; minus strand), CARD14 (caspase recruitment domain family member 14; plus strand). Cytogenetic location: 17q25.3.
Variant type: single nucleotide variant.
Coding change: c.2357T>C on transcript NM_001366385.1 (MANE Select); coding-DNA position 2357, T replaced by C.
Protein change: p.Leu786Ser; replaces leucine 786 with serine.
Molecular consequence: missense variant. On other transcripts: non-coding transcript variant (1).
Genome position (GRCh38, 1-based): chr17:80,204,300, T>C. VCF-style: chr17-80204300-T-C. GRCh37 (hg19) VCF-style: chr17-78178099-T-C.
Other names: c.2357T>C, p.Leu786Ser (NM_024110.4); short protein forms L786S.
Identifiers: ClinVar variation 1433589 (VCV001433589.6), dbSNP rs542846594, ClinGen allele CA294882172.

ClinVar aggregate classification (germline): Uncertain significance (1 of 4 stars; one submission).

Conditions:
Psoriasis 2. Identifiers: MedGen C1864497, MONDO:0011269, OMIM 602723.
Pityriasis rubra pilaris (PRP). Also called: Pityriasis rubra pilaris--familial type. Identifiers: Orphanet 2897, MedGen C0032027, MONDO:0100017, OMIM 173200, MONDO:0008251.

Allele frequency attached by ClinVar (database versions not stated): gnomAD 0.00001; 1000 Genomes Project 0.00020; 1000 Genomes Project 30x 0.00031.

Submission:

Labcorp Genetics (formerly Invitae), Labcorp
Classification: Uncertain significance for Pityriasis rubra pilaris; Psoriasis 2. Last evaluated: 2024-07-01. Review status: criteria provided, single submitter. Criteria: Invitae Variant Classification Sherloc (09022015). Collection method: clinical testing. Allele origin: germline.
Comment: This sequence change replaces leucine, which is neutral and non-polar, with serine, which is neutral and polar, at codon 786 of the CARD14 protein (p.Leu786Ser). This variant is not present in population databases (gnomAD no frequency). This variant has not been reported in the literature in individuals affected with CARD14-related conditions. ClinVar contains an entry for this variant (Variation ID: 1433589). Advanced modeling of protein sequence and biophysical properties (such as structural, functional, and spatial information, amino acid conservation, physicochemical variation, residue mobility, and thermodynamic stability) performed at Invitae indicates that this missense variant is not expected to disrupt CARD14 protein function with a negative predictive value of 80%. In summary, the available evidence is currently insufficient to determine the role of this variant in disease. Therefore, it has been classified as a Variant of Uncertain Significance.